The following is an entry in ClinVar:

ClinVar aggregate classification (germline): Uncertain significance (1 of 4 stars; one submission).

Conditions:
Hereditary cancer-predisposing syndrome. Also called: Hereditary Cancer Syndrome; Hereditary neoplastic syndrome; Neoplastic Syndromes, Hereditary; Tumor predisposition. Identifiers: Orphanet 140162, MedGen C0027672, MeSH D009386, MONDO:0015356.

Submission:

Ambry Genetics
Classification: Uncertain significance for Hereditary cancer-predisposing syndrome. Last evaluated: 2025-04-13. Review status: criteria provided, single submitter. Criteria: Ambry Variant Classification Scheme 2023. Collection method: clinical testing. Allele origin: germline.
Comment: The p.S1195C variant (also known as c.3583A>T), located in coding exon 7 of the MSH6 gene, results from an A to T substitution at nucleotide position 3583. The serine at codon 1195 is replaced by cysteine, an amino acid with dissimilar properties. This amino acid position is conserved. In addition, this alteration is predicted to be deleterious by in silico analysis. Based on the available evidence, the clinical significance of this variant remains unclear.

NM_000179.3(MSH6):c.3583A>T (p.Ser1195Cys)

Gene: MSH6 (mutS homolog 6; plus strand). Cytogenetic location: 2p16.3.
Variant type: single nucleotide variant.
Coding change: c.3583A>T on transcript NM_000179.3 (MANE Select); coding-DNA position 3583, A replaced by T.
Protein change: p.Ser1195Cys; replaces serine 1195 with cysteine.
Molecular consequence: missense variant. On other transcripts: non-coding transcript variant (5).
Genome position (GRCh38, 1-based): chr2:47,805,644, A>T. VCF-style: chr2-47805644-A-T. GRCh37 (hg19) VCF-style: chr2-48032783-A-T.
Other names: c.3193A>T, p.Ser1065Cys (NM_001281492.2); c.2677A>T, p.Ser893Cys (NM_001281493.2, NM_001281494.2, NM_001406811.1 and 6 more transcripts); c.3679A>T, p.Ser1227Cys (NM_001406795.1, NM_001406802.1); c.3583A>T, p.Ser1195Cys (NM_001406796.1, NM_001406800.1, NM_001406808.1 and 1 more transcripts); c.3286A>T, p.Ser1096Cys (NM_001406797.1, NM_001406801.1, NM_001406805.1 and 10 more transcripts); c.3409A>T, p.Ser1137Cys (NM_001406798.1); c.3058A>T, p.Ser1020Cys (NM_001406799.1, NM_001406806.1, NM_001406807.1); c.2719A>T, p.Ser907Cys (NM_001406803.1); and 7 more; short protein forms S1065C, S1197C, S510C, S907C, S1020C, S893C, S1169C, S1195C.
Identifiers: ClinVar variation 3913761 (VCV003913761.1).